The following is an entry in ClinVar:

ClinVar aggregate classification (germline): Likely benign (0 of 4 stars; one submission).

Conditions:
ERCC3-related disorder. Also called: ERCC3-related condition.

Allele frequency attached by ClinVar (database versions not stated): gnomAD exomes below 0.00001; ExAC 0.00001.
gnomAD v4.1: 2 of 1,614,216 alleles (0.00012%); highest among the groups gnomAD compares: Non-Finnish European, 0.00017%; no homozygotes.

Submission:

PreventionGenetics, part of Exact Sciences
Classification: Likely benign for ERCC3-related condition. Last evaluated: 2024-02-01. Review status: no assertion criteria provided. Collection method: clinical testing. Allele origin: germline.
Comment: This variant is classified as likely benign based on ACMG/AMP sequence variant interpretation guidelines (Richards et al. 2015 PMID: 25741868, with internal and published modifications).

NM_000122.2(ERCC3):c.123G>A (p.Ala41=)

Gene: ERCC3 (ERCC excision repair 3, TFIIH core complex helicase subunit; minus strand). Cytogenetic location: 2q14.3.
Variant type: single nucleotide variant.
Coding change: c.123G>A on transcript NM_000122.2 (MANE Select); coding-DNA position 123, G replaced by A.
Protein change: p.Ala41=; no amino-acid change (alanine 41 retained).
Molecular consequence: synonymous variant. On other transcripts: 5 prime UTR variant (2).
Genome position (GRCh38, 1-based): chr2:127,293,624, C>T on the plus strand (G>A on the coding strand, the complement: ERCC3 is on the minus strand). VCF-style: chr2-127293624-C-T. GRCh37 (hg19) VCF-style: chr2-128051200-C-T.
Other names: c.-70G>A (NM_001303416.2, NM_001303418.2).
Identifiers: ClinVar variation 3029188 (VCV003029188.2), dbSNP rs761505994, ClinGen allele CA1858620.